The following is an entry in ClinVar:

ClinVar aggregate classification (germline): Conflicting classifications of pathogenicity. Review status: criteria provided, conflicting classifications (1 of 4 stars). 6 submissions from 6 submitters: Uncertain significance (1); Likely benign (4). 1 of the submissions does not count toward it. Last evaluated 2025-08-14.

Conditions:
Retinal dystrophy. Also called: Inherited retinal dystrophy. Identifiers: Orphanet 71862, MedGen C0854723, MeSH D058499, MONDO:0019118, HP:0000556.
TOPORS-related disorder. Also called: TOPORS-related condition.
Inborn genetic diseases. Identifiers: MedGen C0950123, MeSH D030342.

Allele frequency attached by ClinVar (database versions not stated): gnomAD exomes 0.00021 and 0.00031; ExAC 0.00022; 1000 Genomes Project 0.00040; TOPMed 0.00041; gnomAD 0.00044 and 0.00045; 1000 Genomes Project 30x 0.00062; ESP Exome Variant Server 0.00069.
gnomAD v4.1: 511 of 1,613,308 alleles (0.032%); highest among the groups gnomAD compares: African/African-American, 0.097%; no homozygotes.

Submissions (6):

Labcorp Genetics (formerly Invitae), Labcorp
Classification: Likely benign. Last evaluated: 2025-08-14. Review status: criteria provided, single submitter. Criteria: Invitae Variant Classification Sherloc (09022015). Collection method: clinical testing. Allele origin: germline.

PreventionGenetics, part of Exact Sciences
Classification: Likely benign for TOPORS-related condition. Last evaluated: 2024-10-19. Review status: criteria provided, single submitter. Criteria: ACMG Guidelines, 2015. Collection method: clinical testing. Allele origin: germline.
Comment: This variant is classified as likely benign based on ACMG/AMP sequence variant interpretation guidelines (Richards et al. 2015 PMID: 25741868, with internal and published modifications).

Blueprint Genetics
Classification: Likely benign. Last evaluated: 2024-10-04. Review status: criteria provided, single submitter. Criteria: ACMG Guidelines, 2015. Collection method: clinical testing. Allele origin: germline.

Ambry Genetics
Classification: Uncertain significance for Inborn genetic diseases. Last evaluated: 2024-06-03. Review status: criteria provided, single submitter. Criteria: Ambry Variant Classification Scheme 2023. Collection method: clinical testing. Allele origin: germline.

CeGaT Center for Human Genetics Tuebingen
Classification: Likely benign. Last evaluated: 2024-01-01. Review status: criteria provided, single submitter. Criteria: CeGaT Center For Human Genetics Tuebingen Variant Classification Criteria Version 2. Collection method: clinical testing. Allele origin: germline. Affected: yes. Observed: 1 variant allele.
Comment: TOPORS: BP4, BS2

Institute of Human Genetics, Univ. Regensburg, Univ. Regensburg
Classification: Uncertain significance for Retinal dystrophy. Last evaluated: 2022-01-01. Review status: no assertion criteria provided. Criteria: ACMG Guidelines, 2015. Collection method: clinical testing. Allele origin: germline. Affected: yes. Not counted in ClinVar's aggregate classification.

NM_005802.5(TOPORS):c.722C>T (p.Thr241Met)

Gene: TOPORS (TOP1 binding arginine/serine rich protein, E3 ubiquitin ligase; minus strand). Cytogenetic location: 9p21.1.
Variant type: single nucleotide variant.
Coding change: c.722C>T on transcript NM_005802.5 (MANE Select); coding-DNA position 722, C replaced by T.
Protein change: p.Thr241Met; replaces threonine 241 with methionine.
Molecular consequence: missense variant.
Genome position (GRCh38, 1-based): chr9:32,543,803, G>A on the plus strand (C>T on the coding strand, the complement: TOPORS is on the minus strand). VCF-style: chr9-32543803-G-A. GRCh37 (hg19) VCF-style: chr9-32543801-G-A.
Other names: c.527C>T, p.Thr176Met (NM_001195622.2); short protein forms T241M, T176M.
Identifiers: ClinVar variation 737326 (VCV000737326.36), dbSNP rs41272913, ClinGen allele CA5020607.